The following is an entry in ClinVar:

ClinVar aggregate classification (germline): Conflicting classifications of pathogenicity. Review status: criteria provided, conflicting classifications (1 of 4 stars). 6 submissions from 6 submitters: Uncertain significance (3); Likely benign (1). 2 of the submissions do not count toward it. Last evaluated 2026-09-21.

Conditions:
Early-onset myopathy with fatal cardiomyopathy (CMYO5). Also called: CONGENITAL MYOPATHY 5 WITH CARDIOMYOPATHY; Salih Myopathy. Identifiers: Orphanet 289377, MedGen C2673677, MONDO:0012714, OMIM 611705. Disease mechanism: loss of function.
Autosomal recessive limb-girdle muscular dystrophy type 2J (LGMDR10). Also called: MUSCULAR DYSTROPHY, LIMB-GIRDLE, AUTOSOMAL RECESSIVE 10; Limb-girdle muscular dystrophy, type 2J. Identifiers: Orphanet 140922, MedGen C1837342, MONDO:0012127, OMIM 608807.
Hypertrophic cardiomyopathy 9. Also called: Familial hypertrophic cardiomyopathy 9. Identifiers: MedGen C1861065, MONDO:0013412, OMIM 613765.
Dilated cardiomyopathy 1G (CMD1G). Identifiers: Orphanet 154, MedGen C1858763, MONDO:0011400, OMIM 604145.
Tibial muscular dystrophy (TMD). Also called: Tibial muscular dystrophy, tardive; Udd Distal Myopathy – Tibial Muscular Dystrophy; UDD MYOPATHY. Identifiers: Orphanet 609, MedGen C1838244, MONDO:0010870, OMIM 600334.
Myopathy, myofibrillar, 9, with early respiratory failure (MFM9). Also called: EDSTROM MYOPATHY; Myopathy, distal, with early respiratory failure, autosomal dominant; Hereditary myopathy with early respiratory failure; MYOPATHY, PROXIMAL, WITH EARLY RESPIRATORY MUSCLE INVOLVEMENT. Identifiers: Orphanet 178464, Orphanet 34521, MedGen C1863599, MONDO:0011362, OMIM 603689.

Allele frequency attached by ClinVar (database versions not stated): 1000 Genomes Project 30x 0.00016; 1000 Genomes Project 0.00020; TOPMed 0.00003; ExAC 0.00002; gnomAD 0.00004 and 0.00006.
gnomAD v4.1: 76 of 1,613,540 alleles (0.0047%); highest among the groups gnomAD compares: South Asian, 0.037%; no homozygotes.

Submissions (6):

Molecular Diagnostic Laboratory for Inherited Cardiovascular Disease, Montreal Heart Institute
Classification: Likely benign. Last evaluated: 2026-09-21. Review status: criteria provided, single submitter. Criteria: ACMG Guidelines, 2015. Collection method: clinical testing. Allele origin: germline. Affected: no.
Comment: BP1

Athena Diagnostics
Classification: Uncertain significance. Last evaluated: 2021-10-18. Review status: criteria provided, single submitter. Criteria: Athena Diagnostics Criteria. Collection method: clinical testing. Allele origin: unknown.

Fulgent Genetics
Classification: Uncertain significance for Tibial muscular dystrophy; Myopathy, myofibrillar, 9, with early respiratory failure; Dilated cardiomyopathy 1G; Autosomal recessive limb-girdle muscular dystrophy type 2J; Early-onset myopathy with fatal cardiomyopathy; Hypertrophic cardiomyopathy 9. Last evaluated: 2021-07-30. Review status: criteria provided, single submitter. Criteria: ACMG Guidelines, 2015. Collection method: clinical testing. Allele origin: unknown.

GeneDx
Classification: Uncertain significance. Last evaluated: 2014-04-25. Review status: criteria provided, single submitter. Criteria: GeneDx Variant Classification (06012015). Collection method: clinical testing. Allele origin: germline. Affected: yes.
Comment: Missense variants in the TTN gene are considered 'unclassified' if they are not previously reported in the literature and do not have >1% frequency in the population to be considered a polymorphism. Research indicates that truncating mutations in the TTN gene are expected to account for approximately 25% of familial and 18% of sporadic idiopathic DCM; however, truncating variants in the TTN gene have been reported in approximately 3% of reported control alleles. There has been little investigation into non-truncating variants. (Herman D et al. Truncations of titin causing dilated cardiomyopathy. N Eng J Med 366:619-628, 2012) The variant is found in CARDIOMYOPATHY panel(s).

Clinical Genetics DNA and cytogenetics Diagnostics Lab, Erasmus MC, Erasmus Medical Center
Classification: Uncertain significance. Review status: no assertion criteria provided. Collection method: clinical testing. Allele origin: germline. Affected: yes. Study: VKGL Data-share Consensus. Not counted in ClinVar's aggregate classification.

Diagnostic Laboratory, Department of Genetics, University Medical Center Groningen
Classification: Uncertain significance. Review status: no assertion criteria provided. Collection method: clinical testing. Allele origin: germline. Affected: yes. Study: VKGL Data-share Consensus. Not counted in ClinVar's aggregate classification.

Literature cited by the submitters: PubMed 27930701 (cited by Athena Diagnostics); PubMed 31983221 (cited by Athena Diagnostics).

NM_001267550.2(TTN):c.70288G>A (p.Val23430Ile)

Genes: TTN (titin; minus strand), TTN-AS1 (TTN antisense RNA 1; plus strand), LOC126806422 (BRD4-independent group 4 enhancer GRCh37_chr2:179440205-179441404; plus strand). Cytogenetic location: 2q31.2.
Variant type: single nucleotide variant.
Coding change: c.70288G>A on transcript NM_001267550.2 (MANE Select); coding-DNA position 70288, G replaced by A.
Protein change: p.Val23430Ile; replaces valine 23430 with isoleucine.
Molecular consequence: missense variant.
Genome position (GRCh38, 1-based): chr2:178,575,844, C>T on the plus strand (G>A on the coding strand, the complement: TTN is on the minus strand). VCF-style: chr2-178575844-C-T. GRCh37 (hg19) VCF-style: chr2-179440571-C-T.
Other names: p.V21789I:GTC>ATC; c.70288G>A (NM_001267550.1); c.65365G>A, p.Val21789Ile (NM_001256850.1); c.43093G>A, p.Val14365Ile (NM_003319.4); c.62584G>A, p.Val20862Ile (NM_133378.4); c.43468G>A, p.Val14490Ile (NM_133432.3); c.43669G>A, p.Val14557Ile (NM_133437.4); short protein forms V21789I, V23430I, V14365I, V14490I, V14557I, V20862I.
Identifiers: ClinVar variation 202824 (VCV000202824.8), dbSNP rs549709481, ClinGen allele CA310400.